The following is an entry in ClinVar:

NM_018255.4(ELP2):c.2249G>A (p.Cys750Tyr)

Gene: ELP2 (elongator acetyltransferase complex subunit 2; plus strand). Cytogenetic location: 18q12.2.
Variant type: single nucleotide variant.
Coding change: c.2249G>A on transcript NM_018255.4 (MANE Select); coding-DNA position 2249, G replaced by A.
Protein change: p.Cys750Tyr; replaces cysteine 750 with tyrosine.
Molecular consequence: missense variant. On other transcripts: non-coding transcript variant (4).
Genome position (GRCh38, 1-based): chr18:36,171,085, G>A. VCF-style: chr18-36171085-G-A. GRCh37 (hg19) VCF-style: chr18-33751048-G-A.
Other names: c.2444G>A, p.Cys815Tyr (NM_001242875.3); c.2234G>A, p.Cys745Tyr (NM_001242876.3); c.2171G>A, p.Cys724Tyr (NM_001242877.3); c.2039G>A, p.Cys680Tyr (NM_001242878.3, NM_001242879.3); c.2117G>A, p.Cys706Tyr (NM_001324465.2); c.2366G>A, p.Cys789Tyr (NM_001324466.2); c.2099G>A, p.Cys700Tyr (NM_001324467.2); c.1802G>A, p.Cys601Tyr (NM_001324468.2); short protein forms C700Y, C724Y, C745Y, C680Y, C601Y, C789Y, C706Y, C750Y.
Identifiers: ClinVar variation 711217 (VCV000711217.13), dbSNP rs143869017, ClinGen allele CA8940211.

ClinVar aggregate classification (germline): Benign/Likely benign. Review status: criteria provided, multiple submitters, no conflicts (2 of 4 stars). 3 submissions from 3 submitters: Benign (2); Likely benign (1). Last evaluated 2025-06-01.

Allele frequency attached by ClinVar (database versions not stated): gnomAD exomes 0.00036; gnomAD 0.00403 and 0.00428; TOPMed 0.00458; 1000 Genomes Project 0.00519; ESP Exome Variant Server 0.00538; 1000 Genomes Project 30x 0.00593.
gnomAD v4.1: 1,155 of 1,614,080 alleles (0.072%); highest among the groups gnomAD compares: African/African-American, 1.4%; 11 homozygotes.

Submissions (3):

CeGaT Center for Human Genetics Tuebingen
Classification: Likely benign. Last evaluated: 2025-06-01. Review status: criteria provided, single submitter. Criteria: CeGaT Center For Human Genetics Tuebingen Variant Classification Criteria Version 2. Collection method: clinical testing. Allele origin: germline. Affected: yes. Observed: 1 variant allele.
Comment: ELP2: BP4, BS1

Labcorp Genetics (formerly Invitae), Labcorp
Classification: Benign. Last evaluated: 2019-12-31. Review status: criteria provided, single submitter. Criteria: Invitae Variant Classification Sherloc (09022015). Collection method: clinical testing. Allele origin: germline.

Breakthrough Genomics
Classification: Benign. Review status: criteria provided, single submitter. Criteria: ACMG Guidelines, 2015. Collection method: not provided. Allele origin: germline. Inheritance: Autosomal recessive inheritance. Affected: yes.